The following is an entry in ClinVar:

NM_000448.3(RAG1):c.284A>G (p.Glu95Gly)

Gene: RAG1 (recombination activating 1; plus strand). Cytogenetic location: 11p12.
Variant type: single nucleotide variant.
Coding change: c.284A>G on transcript NM_000448.3 (MANE Select); coding-DNA position 284, A replaced by G.
Protein change: p.Glu95Gly; replaces glutamic acid 95 with glycine.
Molecular consequence: missense variant.
Genome position (GRCh38, 1-based): chr11:36,573,588, A>G. VCF-style: chr11-36573588-A-G. GRCh37 (hg19) VCF-style: chr11-36595138-A-G.
Other names: c.284A>G, p.Glu95Gly (NM_001377277.1, NM_001377278.1, NM_001377279.1 and 1 more transcripts); short protein forms E95G.
Identifiers: ClinVar variation 2177858 (VCV002177858.2), dbSNP rs142057334, ClinGen allele CA5949944.
Genomic context (GRCh38, chr11:36,573,588, plus strand): 5'-TCCCAACTCAGCCATTGTTAAAAGCCCACCCTAAGTTTTCAAAGAAATTTCACGACAACG[A>G]GAAAGCAAGAGGCAAAGCGATCCATCAAGCCAACCTTCGACATCTCTGCCGCATCTGTGG-3'
Protein context (NP_000439.2, residues 85-105): PKFSKKFHDN[Glu95Gly]KARGKAIHQA

ClinVar aggregate classification (germline): Uncertain significance. Review status: criteria provided, multiple submitters, no conflicts (2 of 4 stars). 2 submissions from 2 submitters: Uncertain significance (2). Last evaluated 2024-11-26.

Conditions:
Combined immunodeficiency with skin granulomas. Identifiers: Orphanet 157949, MedGen C2673536, MONDO:0009306, OMIM 233650.
Severe combined immunodeficiency, autosomal recessive, T cell-negative, B cell-negative, NK cell-positive. Also called: SCID, AR, T-cell negative, B-cell negative, NK cell-positive; Severe combined immunodeficiency due to complete RAG1/2 deficiency; SCID, T CELL-NEGATIVE, B CELL-NEGATIVE, NK CELL-POSITIVE. Identifiers: Orphanet 331206, MedGen C1832322, MONDO:0011086, OMIM 601457.

Allele frequency attached by ClinVar (database versions not stated): gnomAD 0.00004; ExAC 0.00005; TOPMed 0.00010; ESP Exome Variant Server 0.00015.
gnomAD v4.1: 17 of 1,614,110 alleles (0.0011%); highest among the groups gnomAD compares: African/African-American, 0.019%; no homozygotes.

Submissions (2):

Blueprint Genetics
Classification: Uncertain significance. Last evaluated: 2024-11-26. Review status: criteria provided, single submitter. Criteria: ACMG Guidelines, 2015. Collection method: clinical testing. Allele origin: germline.

Labcorp Genetics (formerly Invitae), Labcorp
Classification: Uncertain significance for Combined immunodeficiency with skin granulomas; Severe combined immunodeficiency, autosomal recessive, T cell-negative, B cell-negative, NK cell-positive. Last evaluated: 2022-06-05. Review status: criteria provided, single submitter. Criteria: Invitae Variant Classification Sherloc (09022015). Collection method: clinical testing. Allele origin: germline.
Comment: This sequence change replaces glutamic acid, which is acidic and polar, with glycine, which is neutral and non-polar, at codon 95 of the RAG1 protein (p.Glu95Gly). This variant is present in population databases (rs142057334, gnomAD 0.04%). This variant has not been reported in the literature in individuals affected with RAG1-related conditions. Advanced modeling of protein sequence and biophysical properties (such as structural, functional, and spatial information, amino acid conservation, physicochemical variation, residue mobility, and thermodynamic stability) performed at Invitae indicates that this missense variant is not expected to disrupt RAG1 protein function. In summary, the available evidence is currently insufficient to determine the role of this variant in disease. Therefore, it has been classified as a Variant of Uncertain Significance.